The following is an entry in ClinVar:

ClinVar aggregate classification (germline): Uncertain significance (1 of 4 stars; one submission).

Submission:

Ambry Genetics
Classification: Uncertain significance. Last evaluated: 2022-11-26. Review status: criteria provided, single submitter. Criteria: Ambry Variant Classification Scheme 2023. Collection method: clinical testing. Allele origin: germline.
Comment: The p.I22T variant (also known as c.65T>C), located in coding exon 1 of the IDH1 gene, results from a T to C substitution at nucleotide position 65. The isoleucine at codon 22 is replaced by threonine, an amino acid with similar properties. This amino acid position is conserved. In addition, this alteration is predicted to be deleterious by in silico analysis. Since supporting evidence is limited at this time, the clinical significance of this alteration remains unclear.

NM_005896.4(IDH1):c.65T>C (p.Ile22Thr)

Gene: IDH1 (isocitrate dehydrogenase (NADP(+)) 1; minus strand). Cytogenetic location: 2q34.
Variant type: single nucleotide variant.
Coding change: c.65T>C on transcript NM_005896.4 (MANE Select); coding-DNA position 65, T replaced by C.
Protein change: p.Ile22Thr; replaces isoleucine 22 with threonine.
Molecular consequence: missense variant.
Genome position (GRCh38, 1-based): chr2:208,251,487, A>G on the plus strand (T>C on the coding strand, the complement: IDH1 is on the minus strand). VCF-style: chr2-208251487-A-G. GRCh37 (hg19) VCF-style: chr2-209116211-A-G.
Other names: c.65T>C, p.Ile22Thr (NM_001282386.1, NM_001282387.1); short protein forms I22T.
Identifiers: ClinVar variation 2453225 (VCV002453225.2), dbSNP rs2469038549, ClinGen allele CA350103038.